The following is an entry in ClinVar:

NM_014339.7(IL17RA):c.943+91C>G

Gene: IL17RA (interleukin 17 receptor A; plus strand). Cytogenetic location: 22q11.1.
Variant type: single nucleotide variant.
Coding change: c.943+91C>G on transcript NM_014339.7 (MANE Select); 91 bases into the intron after coding-DNA position 943, C replaced by G.
Molecular consequence: intron variant.
Genome position (GRCh38, 1-based): chr22:17,105,693, C>G. VCF-style: chr22-17105693-C-G. GRCh37 (hg19) VCF-style: chr22-17586583-C-G.
Other names: c.943+91C>G (NM_001289905.2).
Identifiers: ClinVar variation 2688016 (VCV002688016.2), dbSNP rs2241047, ClinGen allele CA14919230.

ClinVar aggregate classification (germline): Benign (1 of 4 stars; one submission).

Allele frequency attached by ClinVar (database versions not stated): ESP Exome Variant Server 0.49080; TOPMed 0.49951; gnomAD 0.50627; gnomAD exomes 0.51242; 1000 Genomes Project 30x 0.55231; 1000 Genomes Project 0.55611.
gnomAD v4.1: 771,928 of 1,507,044 alleles (51%); highest among the groups gnomAD compares: East Asian, 79%; 200,033 homozygotes.

Submission:

Unidad de Genómica Garrahan, Hospital de Pediatría Garrahan
Classification: Benign. Last evaluated: 2024-01-24. Review status: criteria provided, single submitter. Criteria: ACMG Guidelines, 2015. Collection method: clinical testing. Allele origin: germline. Affected: no. Observed: 67 variant alleles.
Comment: This variant is classified as Benign based on local population frequency. This variant was detected in 71% of patients studied by a panel of primary immunodeficiencies. Number of patients: 67. Only high quality variants are reported.